The following is an entry in ClinVar:

ClinVar aggregate classification (germline): Likely pathogenic (1 of 4 stars; one submission).

gnomAD v4.1: 1 of 1,605,998 alleles (0.000062%); highest among the groups gnomAD compares: Non-Finnish European, 0.000085%; no homozygotes.

Submission:

GeneDx
Classification: Likely pathogenic. Last evaluated: 2023-12-06. Review status: criteria provided, single submitter. Criteria: GeneDx Variant Classification Process June 2021. Collection method: clinical testing. Allele origin: germline. Affected: yes.
Comment: Canonical splice site variant predicted to result in an in-frame loss of the adjacent exon in a gene for which loss of function is a known mechanism of disease; Not observed at significant frequency in large population cohorts (gnomAD); Observed with a frameshift variant in a patient with childhood-onset proximal weakness and cardiomypathy, but it is not known whether the variants occurred on the same (in cis) or on different (in trans) chromosomes (PMID: 31561939); This variant is associated with the following publications: (PMID: 22335739, 31561939)

NM_001267550.2(TTN):c.68329+1G>A

Genes: TTN (titin; minus strand), TTN-AS1 (TTN antisense RNA 1; plus strand), LOC126806423 (CDK7 strongly-dependent group 2 enhancer GRCh37_chr2:179443309-179444508; plus strand). Cytogenetic location: 2q31.2.
Variant type: single nucleotide variant.
Coding change: c.68329+1G>A on transcript NM_001267550.2 (MANE Select); the canonical splice donor site of the intron after coding-DNA position 68329, G replaced by A.
Molecular consequence: splice donor variant.
Genome position (GRCh38, 1-based): chr2:178,578,610, C>T on the plus strand (G>A on the coding strand, the complement: TTN is on the minus strand). VCF-style: chr2-178578610-C-T. GRCh37 (hg19) VCF-style: chr2-179443337-C-T.
Other names: c.41134+1G>A (NM_003319.4); c.41710+1G>A (NM_133437.4); c.41509+1G>A (NM_133432.3); c.60625+1G>A (NM_133378.4); c.63406+1G>A (NM_001256850.1).
Identifiers: ClinVar variation 3342624 (VCV003342624.1).
Genomic context (GRCh38, chr2:178,578,610, plus strand): 5'-CAGGGAAATATTTGTGAGGAATCTTGATGTAAAAGCTGTAGGATAAGAACAAACAAAATA[C>T]CTGTAATTGGAGAACCACCAGTTTTCTTGGGGTCAGTCCAAGTTAGAGATACTGAATCGT-3'